The following is an entry in ClinVar:

NM_030665.4(RAI1):c.4673A>G (p.Lys1558Arg)

Gene: RAI1 (retinoic acid induced 1; plus strand). Cytogenetic location: 17p11.2.
Variant type: single nucleotide variant.
Coding change: c.4673A>G on transcript NM_030665.4 (MANE Select); coding-DNA position 4673, A replaced by G.
Protein change: p.Lys1558Arg; replaces lysine 1558 with arginine.
Molecular consequence: missense variant.
Genome position (GRCh38, 1-based): chr17:17,797,621, A>G. VCF-style: chr17-17797621-A-G. GRCh37 (hg19) VCF-style: chr17-17700935-A-G.
Other names: c.4673A>G (NM_030665.3); short protein forms K1558R.
Identifiers: ClinVar variation 2991510 (VCV002991510.4), dbSNP rs1269960960, ClinGen allele CA398557261.
Genomic context (GRCh38, chr17:17,797,621, plus strand): 5'-AGCGCCTCACTCGGGGCCGGGCCAAGAACACCACCTCTTCACCCTGTAAGGGGCGTGCCA[A>G]GCGACGACGACAGCAGCAGGTGCTGCCCCTGGATCCCGCAGAGCCTGAAATCCGCCTCAA-3'
Protein context (NP_109590.3, residues 1548-1568): TTSSPCKGRA[Lys1558Arg]RRRQQQVLPL

ClinVar aggregate classification (germline): Uncertain significance. Review status: criteria provided, multiple submitters, no conflicts (2 of 4 stars). 2 submissions from 2 submitters: Uncertain significance (2). Last evaluated 2024-12-06.

Conditions:
RAI1-related disorder. Also called: RAI1-related condition.

Allele frequency attached by ClinVar (database versions not stated): TOPMed below 0.00001; gnomAD exomes 0.00001.
gnomAD v4.1: 14 of 1,613,960 alleles (0.00087%); highest among the groups gnomAD compares: African/African-American, 0.0013%; no homozygotes.

Submissions (2):

PreventionGenetics, part of Exact Sciences
Classification: Uncertain significance for RAI1-related condition. Last evaluated: 2024-12-06. Review status: criteria provided, single submitter. Criteria: ACMG Guidelines, 2015. Collection method: clinical testing. Allele origin: germline.
Comment: The RAI1 c.4673A>G variant is predicted to result in the amino acid substitution p.Lys1558Arg. To our knowledge, this variant has not been reported in the literature. This variant is reported in 0.00088% of alleles in individuals of European (Non-Finnish) descent in gnomAD. At this time, the clinical significance of this variant is uncertain due to the absence of conclusive functional and genetic evidence.

Labcorp Genetics (formerly Invitae), Labcorp
Classification: Uncertain significance. Last evaluated: 2024-01-06. Review status: criteria provided, single submitter. Criteria: Invitae Variant Classification Sherloc (09022015). Collection method: clinical testing. Allele origin: germline.
Comment: This sequence change replaces lysine, which is basic and polar, with arginine, which is basic and polar, at codon 1558 of the RAI1 protein (p.Lys1558Arg). This variant is present in population databases (no rsID available, gnomAD 0.0009%). This variant has not been reported in the literature in individuals affected with RAI1-related conditions. Advanced modeling of protein sequence and biophysical properties (such as structural, functional, and spatial information, amino acid conservation, physicochemical variation, residue mobility, and thermodynamic stability) performed at Invitae indicates that this missense variant is not expected to disrupt RAI1 protein function with a negative predictive value of 80%. In summary, the available evidence is currently insufficient to determine the role of this variant in disease. Therefore, it has been classified as a Variant of Uncertain Significance.